The following is an entry in ClinVar:

NM_007194.4(CHEK2):c.1199G>A (p.Gly400Glu)

Gene: CHEK2 (checkpoint kinase 2; minus strand). Cytogenetic location: 22q12.1.
Variant type: single nucleotide variant.
Coding change: c.1199G>A on transcript NM_007194.4 (MANE Select); coding-DNA position 1199, G replaced by A.
Protein change: p.Gly400Glu; replaces glycine 400 with glutamic acid.
Molecular consequence: missense variant.
Genome position (GRCh38, 1-based): chr22:28,695,770, C>T on the plus strand (G>A on the coding strand, the complement: CHEK2 is on the minus strand). VCF-style: chr22-28695770-C-T. GRCh37 (hg19) VCF-style: chr22-29091758-C-T.
Other names: c.1328G>A, p.Gly443Glu (NM_001005735.3); c.536G>A, p.Gly179Glu (NM_001257387.3); c.998G>A, p.Gly333Glu (NM_001349956.3); c.1112G>A, p.Gly371Glu (NM_145862.3); short protein forms G333E, G371E, G443E, G179E, G400E.
Identifiers: ClinVar variation 818556 (VCV000818556.13), dbSNP rs1476312560, ClinGen allele CA411096778.
Genomic context (GRCh38, chr22:28,695,770, plus strand): 5'-CAGATAAAAAGAATAACTCCTAAACTCCAGCAGTCCACAGCACGGTTATACCCAGCAGTC[C>T]CAACAGAAACAAGAACTTCAGGCGCCAAGTAGGTGGGGGTTCCACATAAGGTTCTCATGA-3'
Protein context (NP_009125.1, residues 390-410): YLAPEVLVSV[Gly400Glu]TAGYNRAVDC

ClinVar aggregate classification (germline): Uncertain significance. Review status: criteria provided, multiple submitters, no conflicts (2 of 4 stars). 2 submissions from 2 submitters: Uncertain significance (2). Last evaluated 2021-03-24.

Conditions:
Familial cancer of breast. Also called: hereditary breast carcinoma; Hereditary breast cancer; BREAST CANCER, FAMILIAL. Identifiers: Orphanet 227535, MedGen C0346153, MONDO:0016419, OMIM 114480. Disease mechanism: loss of function.
Hereditary cancer-predisposing syndrome. Also called: Tumor predisposition; Hereditary neoplastic syndrome; Neoplastic Syndromes, Hereditary; Hereditary Cancer Syndrome. Identifiers: Orphanet 140162, MedGen C0027672, MeSH D009386, MONDO:0015356.

Submissions (2):

Labcorp Genetics (formerly Invitae), Labcorp
Classification: Uncertain significance for Familial cancer of breast. Last evaluated: 2021-03-24. Review status: criteria provided, single submitter. Criteria: Invitae Variant Classification Sherloc (09022015). Collection method: clinical testing. Allele origin: germline.
Comment: In summary, the available evidence is currently insufficient to determine the role of this variant in disease. Therefore, it has been classified as a Variant of Uncertain Significance. Algorithms developed to predict the effect of missense changes on protein structure and function are either unavailable or do not agree on the potential impact of this missense change (SIFT: "Deleterious"; PolyPhen-2: "Benign"; Align-GVGD: "Class C0"). This variant has not been reported in the literature in individuals with CHEK2-related conditions. ClinVar contains an entry for this variant (Variation ID: 818556). This variant is not present in population databases (ExAC no frequency). This sequence change replaces glycine with glutamic acid at codon 400 of the CHEK2 protein (p.Gly400Glu). The glycine residue is highly conserved and there is a moderate physicochemical difference between glycine and glutamic acid.

Ambry Genetics
Classification: Uncertain significance for Hereditary cancer-predisposing syndrome. Last evaluated: 2018-09-11. Review status: criteria provided, single submitter. Criteria: Ambry Variant Classification Scheme 2023. Collection method: clinical testing. Allele origin: germline.
Comment: The p.G400E variant (also known as c.1199G>A), located in coding exon 10 of the CHEK2 gene, results from a G to A substitution at nucleotide position 1199. The glycine at codon 400 is replaced by glutamic acid, an amino acid with similar properties. This amino acid position is well conserved in available vertebrate species. In addition, this alteration is predicted to be tolerated by in silico analysis. Since supporting evidence is limited at this time, the clinical significance of this alteration remains unclear.